The following is an entry in ClinVar:

NM_000436.4(OXCT1):c.854G>A (p.Arg285Gln)

Gene: OXCT1 (3-oxoacid CoA-transferase 1; minus strand). Cytogenetic location: 5p13.1.
Variant type: single nucleotide variant.
Coding change: c.854G>A on transcript NM_000436.4 (MANE Select); coding-DNA position 854, G replaced by A.
Protein change: p.Arg285Gln; replaces arginine 285 with glutamine.
Molecular consequence: missense variant. On other transcripts: non-coding transcript variant (1).
Genome position (GRCh38, 1-based): chr5:41,805,668, C>T on the plus strand (G>A on the coding strand, the complement: OXCT1 is on the minus strand). VCF-style: chr5-41805668-C-T. GRCh37 (hg19) VCF-style: chr5-41805770-C-T.
Other names: c.854G>A (NM_000436.3); c.875G>A, p.Arg292Gln (NM_001364299.2, NM_001364300.2); c.848G>A, p.Arg283Gln (NM_001364301.2); c.854G>A, p.Arg285Gln (NM_001364302.2); c.296G>A, p.Arg99Gln (NM_001364303.2); short protein forms R283Q, R292Q, R99Q, R285Q.
Identifiers: ClinVar variation 1378263 (VCV001378263.9), dbSNP rs766119402, ClinGen allele CA3253452.

ClinVar aggregate classification (germline): Uncertain significance. Review status: criteria provided, multiple submitters, no conflicts (2 of 4 stars). 2 submissions from 2 submitters: Uncertain significance (2). Last evaluated 2025-02-19.

Conditions:
Inborn genetic diseases. Identifiers: MedGen C0950123, MeSH D030342.
Succinyl-CoA acetoacetate transferase deficiency (SCOTD). Also called: 3-Oxoacid CoA Transferase Deficiency; SCOT DEFICIENCY; SUCCINYL-CoA:3-KETOACID CoA-TRANSFERASE DEFICIENCY; KETOACIDOSIS DUE TO SCOT DEFICIENCY; Succinyl CoA:3-oxoacid CoA transferase deficiency. Identifiers: Orphanet 832, MedGen C0342792, MONDO:0009492, OMIM 245050.

Allele frequency attached by ClinVar (database versions not stated): ExAC 0.00002; gnomAD exomes 0.00002; gnomAD 0.00004 and 0.00005; TOPMed 0.00006.

Submissions (2):

Ambry Genetics
Classification: Uncertain significance for Inborn genetic diseases. Last evaluated: 2025-02-19. Review status: criteria provided, single submitter. Criteria: Ambry Variant Classification Scheme 2023. Collection method: clinical testing. Allele origin: germline.

Labcorp Genetics (formerly Invitae), Labcorp
Classification: Uncertain significance for Succinyl-CoA acetoacetate transferase deficiency. Last evaluated: 2020-11-24. Review status: criteria provided, single submitter. Criteria: Invitae Variant Classification Sherloc (09022015). Collection method: clinical testing. Allele origin: germline.
Comment: In summary, the available evidence is currently insufficient to determine the role of this variant in disease. Therefore, it has been classified as a Variant of Uncertain Significance. Algorithms developed to predict the effect of sequence changes on RNA splicing suggest that this variant may create or strengthen a splice site, but this prediction has not been confirmed by published transcriptional studies. Algorithms developed to predict the effect of missense changes on protein structure and function (SIFT, PolyPhen-2, Align-GVGD) all suggest that this variant is likely to be tolerated, but these predictions have not been confirmed by published functional studies and their clinical significance is uncertain. This variant has not been reported in the literature in individuals with OXCT1-related conditions. This variant is present in population databases (rs766119402, ExAC 0.009%). This sequence change replaces arginine with glutamine at codon 285 of the OXCT1 protein (p.Arg285Gln). The arginine residue is weakly conserved and there is a small physicochemical difference between arginine and glutamine.